The following is an entry in ClinVar:

ClinVar aggregate classification (germline): Uncertain significance (1 of 4 stars; one submission).

Submission:

Labcorp Genetics (formerly Invitae), Labcorp
Classification: Uncertain significance. Last evaluated: 2022-02-24. Review status: criteria provided, single submitter. Criteria: Invitae Variant Classification Sherloc (09022015). Collection method: clinical testing. Allele origin: germline.
Comment: In summary, the available evidence is currently insufficient to determine the role of this variant in disease. Therefore, it has been classified as a Variant of Uncertain Significance. Algorithms developed to predict the effect of missense changes on protein structure and function output the following: SIFT: "Deleterious"; PolyPhen-2: "Benign"; Align-GVGD: "Class C0". The alanine amino acid residue is found in multiple mammalian species, which suggests that this missense change does not adversely affect protein function. This variant has not been reported in the literature in individuals affected with ALPK3-related conditions. This variant is not present in population databases (gnomAD no frequency). This sequence change replaces valine, which is neutral and non-polar, with alanine, which is neutral and non-polar, at codon 48 of the ALPK3 protein (p.Val48Ala).

NC_000015.10:g.84816989T>C

Gene: ALPK3 (alpha kinase 3; plus strand). Cytogenetic location: 15q25.3.
Variant type: single nucleotide variant.
Genome position: GRCh38 VCF-style: chr15-84816989-T-C. GRCh37 (hg19) VCF-style: chr15-85360220-T-C.
Identifiers: ClinVar variation 2092767 (VCV002092767.4), dbSNP rs1335827132, ClinGen allele CA393368290.
Genomic context (GRCh38, chr15:84,816,989, plus strand): 5'-GAAGAGGGCTGGTTCTTTGGCTCCCTGGTCTCCCGCGGTCTAGCCCAAGCTGGCCAGCGG[T>C]TGACCTGGCTCCCCTGGCCCCGGCCAGGCCTCGTGGACCCCTCATATGCCACACGGGACA-3'